The following is an entry in ClinVar:

NM_016151.4(TAOK2):c.1643C>G (p.Ala548Gly)

Gene: TAOK2 (TAO kinase 2; plus strand). Cytogenetic location: 16p11.2.
Variant type: single nucleotide variant.
Coding change: c.1643C>G on transcript NM_016151.4 (MANE Select); coding-DNA position 1643, C replaced by G.
Protein change: p.Ala548Gly; replaces alanine 548 with glycine.
Molecular consequence: missense variant.
Genome position (GRCh38, 1-based): chr16:29,985,433, C>G. VCF-style: chr16-29985433-C-G. GRCh37 (hg19) VCF-style: chr16-29996754-C-G.
Other names: c.1643C>G, p.Ala548Gly (NM_001252043.2, NM_004783.4); short protein forms A548G.
Identifiers: ClinVar variation 1994955 (VCV001994955.4), dbSNP rs1239589256, ClinGen allele CA395486085.
Genomic context (GRCh38, chr16:29,985,433, plus strand): 5'-TTGAGGCGCAGCGGGCTGGCTTTGGGGCAGAGGCAGAAAAGCTGGCCCGGCGGCACCAGG[C>G]CATAGGTGAGAAGGAGGCACGAGCTGCCCAGGCCGAGGAGCGGAAGTTCCAGCAGCACAT-3'
Protein context (NP_057235.2, residues 538-558): EAEKLARRHQ[Ala548Gly]IGEKEARAAQ

ClinVar aggregate classification (germline): Uncertain significance (1 of 4 stars; one submission).

Submission:

Labcorp Genetics (formerly Invitae), Labcorp
Classification: Uncertain significance. Last evaluated: 2022-05-15. Review status: criteria provided, single submitter. Criteria: Invitae Variant Classification Sherloc (09022015). Collection method: clinical testing. Allele origin: germline.
Comment: This variant is not present in population databases (gnomAD no frequency). This sequence change replaces alanine, which is neutral and non-polar, with glycine, which is neutral and non-polar, at codon 548 of the TAOK2 protein (p.Ala548Gly). This variant has not been reported in the literature in individuals affected with TAOK2-related conditions. Algorithms developed to predict the effect of missense changes on protein structure and function (SIFT, PolyPhen-2, Align-GVGD) all suggest that this variant is likely to be tolerated. In summary, the available evidence is currently insufficient to determine the role of this variant in disease. Therefore, it has been classified as a Variant of Uncertain Significance.